The following is an entry in ClinVar:

NM_015270.5(ADCY6):c.1425C>T (p.Ile475=)

Gene: ADCY6 (adenylate cyclase 6; minus strand). Cytogenetic location: 12q13.12.
Variant type: single nucleotide variant.
Coding change: c.1425C>T on transcript NM_015270.5 (MANE Select); coding-DNA position 1425, C replaced by T.
Protein change: p.Ile475=; no amino-acid change (isoleucine 475 retained).
Molecular consequence: synonymous variant. On other transcripts: non-coding transcript variant (1).
Genome position (GRCh38, 1-based): chr12:48,776,538, G>A on the plus strand (C>T on the coding strand, the complement: ADCY6 is on the minus strand). VCF-style: chr12-48776538-G-A. GRCh37 (hg19) VCF-style: chr12-49170321-G-A.
Other names: c.1425C>T, p.Ile475= (NM_001390830.1, NM_001390831.2, NM_001412819.1 and 3 more transcripts).
Identifiers: ClinVar variation 3042589 (VCV003042589.2), dbSNP rs747782381, ClinGen allele CA6541316.
Genomic context (GRCh38, chr12:48,776,538, plus strand): 5'-CCACACATCGAACTGCCATTTCCGCAAGCCAAGGACGCCGCAGTGCACGCGCCCGCTGTG[G>A]ATGCCCACGCGCATGTTCACATTCACACCTGTCACCTCACGTACCAGCCTGGGAGGATGC-3'
Protein context (NP_056085.1, residues 465-485): TGVNVNMRVG[Ile475=]HSGRVHCGVL

ClinVar aggregate classification (germline): Likely benign (0 of 4 stars; one submission).

Conditions:
ADCY6-related disorder. Also called: ADCY6-related condition.

Allele frequency attached by ClinVar (database versions not stated): gnomAD 0.00003; ExAC 0.00012.
gnomAD v4.1: 73 of 1,613,466 alleles (0.0045%); highest among the groups gnomAD compares: South Asian, 0.076%; 2 homozygotes.

Submission:

PreventionGenetics, part of Exact Sciences
Classification: Likely benign for ADCY6-related condition. Last evaluated: 2019-06-24. Review status: no assertion criteria provided. Collection method: clinical testing. Allele origin: germline.
Comment: This variant is classified as likely benign based on ACMG/AMP sequence variant interpretation guidelines (Richards et al. 2015 PMID: 25741868, with internal and published modifications).